The following is an entry in ClinVar:

ClinVar aggregate classification (germline): Uncertain significance (1 of 4 stars; one submission).

gnomAD v4.1: 1 of 1,575,942 alleles (0.000063%); no homozygotes.

Submission:

Labcorp Genetics (formerly Invitae), Labcorp
Classification: Uncertain significance. Last evaluated: 2022-06-13. Review status: criteria provided, single submitter. Criteria: Invitae Variant Classification Sherloc (09022015). Collection method: clinical testing. Allele origin: germline.
Comment: Algorithms developed to predict the effect of sequence changes on RNA splicing suggest that this variant may disrupt the consensus splice site. This variant has not been reported in the literature in individuals affected with IFT81-related conditions. This variant is not present in population databases (gnomAD no frequency). This sequence change falls in intron 2 of the IFT81 gene. It does not directly change the encoded amino acid sequence of the IFT81 protein. In summary, the available evidence is currently insufficient to determine the role of this variant in disease. Therefore, it has been classified as a Variant of Uncertain Significance.

NM_014055.4(IFT81):c.145-13A>G

Gene: IFT81 (intraflagellar transport 81; plus strand). Cytogenetic location: 12q24.11.
Variant type: single nucleotide variant.
Coding change: c.145-13A>G on transcript NM_014055.4 (MANE Select); 13 bases into the intron before coding-DNA position 145, A replaced by G.
Molecular consequence: intron variant.
Genome position (GRCh38, 1-based): chr12:110,128,033, A>G. VCF-style: chr12-110128033-A-G. GRCh37 (hg19) VCF-style: chr12-110565838-A-G.
Other names: c.-622-13A>G (NM_001347948.2, NM_001347947.2); c.145-13A>G (NM_001143779.2, NM_031473.4, NM_001347946.2).
Identifiers: ClinVar variation 1517805 (VCV001517805.8), dbSNP rs1464293931, ClinGen allele CA683486128.